The following is an entry in ClinVar:

NM_006384.4(CIB1):c.299A>G (p.Asp100Gly)

Gene: CIB1 (calcium and integrin binding 1; minus strand). Cytogenetic location: 15q26.1.
Variant type: single nucleotide variant.
Coding change: c.299A>G on transcript NM_006384.4 (MANE Select); coding-DNA position 299, A replaced by G.
Protein change: p.Asp100Gly; replaces aspartic acid 100 with glycine.
Molecular consequence: missense variant. On other transcripts: non-coding transcript variant (2).
Genome position (GRCh38, 1-based): chr15:90,231,404, T>C on the plus strand (A>G on the coding strand, the complement: CIB1 is on the minus strand). VCF-style: chr15-90231404-T-C. GRCh37 (hg19) VCF-style: chr15-90774636-T-C.
Other names: c.419A>G, p.Asp140Gly (NM_001277764.2); c.299A>G (NM_006384.3); short protein forms D100G, D140G.
Identifiers: ClinVar variation 1450571 (VCV001450571.4), dbSNP rs139764460, ClinGen allele CA7734247.

ClinVar aggregate classification (germline): Uncertain significance. Review status: criteria provided, multiple submitters, no conflicts (2 of 4 stars). 2 submissions from 2 submitters: Uncertain significance (2). Last evaluated 2024-10-06.

Allele frequency attached by ClinVar (database versions not stated): gnomAD exomes 0.00001 and 0.00002; ExAC 0.00003; gnomAD 0.00013 and 0.00015; TOPMed 0.00017; ESP Exome Variant Server 0.00031.
gnomAD v4.1: 38 of 1,614,220 alleles (0.0024%); highest among the groups gnomAD compares: African/African-American, 0.04%; 1 homozygote.

Submissions (2):

Ambry Genetics
Classification: Uncertain significance. Last evaluated: 2024-10-06. Review status: criteria provided, single submitter. Criteria: Ambry Variant Classification Scheme 2023. Collection method: clinical testing. Allele origin: germline.

Labcorp Genetics (formerly Invitae), Labcorp
Classification: Uncertain significance. Last evaluated: 2022-08-19. Review status: criteria provided, single submitter. Criteria: Invitae Variant Classification Sherloc (09022015). Collection method: clinical testing. Allele origin: germline.
Comment: This sequence change replaces aspartic acid, which is acidic and polar, with glycine, which is neutral and non-polar, at codon 140 of the CIB1 protein (p.Asp140Gly). This variant is present in population databases (rs139764460, gnomAD 0.04%). This variant has not been reported in the literature in individuals affected with CIB1-related conditions. ClinVar contains an entry for this variant (Variation ID: 1450571). Algorithms developed to predict the effect of missense changes on protein structure and function are either unavailable or do not agree on the potential impact of this missense change (SIFT: "Deleterious"; PolyPhen-2: "Not Available"; Align-GVGD: "Class C15"). In summary, the available evidence is currently insufficient to determine the role of this variant in disease. Therefore, it has been classified as a Variant of Uncertain Significance.